The following is an entry in ClinVar:

NM_000297.4(PKD2):c.858C>T (p.Ser286=)

Gene: PKD2 (polycystin 2, transient receptor potential cation channel; plus strand). Cytogenetic location: 4q22.1.
Variant type: single nucleotide variant.
Coding change: c.858C>T on transcript NM_000297.4 (MANE Select); coding-DNA position 858, C replaced by T.
Protein change: p.Ser286=; no amino-acid change (serine 286 retained).
Molecular consequence: synonymous variant. On other transcripts: non-coding transcript variant (1).
Genome position (GRCh38, 1-based): chr4:88,038,265, C>T. VCF-style: chr4-88038265-C-T. GRCh37 (hg19) VCF-style: chr4-88959417-C-T.
Identifiers: ClinVar variation 3772513 (VCV003772513.13).
Genomic context (GRCh38, chr4:88,038,265, plus strand): 5'-GCGGCTGAGCTTGGAACTTTTTCAGAGATGTTTCCTTTGCTTTTAGTTCACAGAAGGCTC[C>T]TTATTGGATGGGCTGTACTGGAAGATGCAGCCCAGCAACCAGACTGAAGCTGACAACCGA-3'
Protein context (NP_000288.1, residues 276-296): MEDFWKFTEG[Ser286=]LLDGLYWKMQ

ClinVar aggregate classification (germline): Likely benign (1 of 4 stars; one submission).

Submission:

CeGaT Center for Human Genetics Tuebingen
Classification: Likely benign. Last evaluated: 2025-02-01. Review status: criteria provided, single submitter. Criteria: CeGaT Center For Human Genetics Tuebingen Variant Classification Criteria Version 2. Collection method: clinical testing. Allele origin: germline. Affected: yes. Observed: 1 variant allele.
Comment: PKD2: BP4, BP7